The following is an entry in ClinVar:

ClinVar aggregate classification (germline): Likely benign. Review status: reviewed by expert panel (3 of 4 stars). 6 submissions from 5 submitters: Likely benign (1). 5 of the submissions do not count toward it. Last evaluated 2019-12-05.

Conditions:
Cardiovascular phenotype. Identifiers: MedGen CN230736.
RASopathy. Also called: Noonan spectrum disorder; rasopathies. Identifiers: Orphanet 536391, MedGen C5555857, MONDO:0021060.
Noonan syndrome 4 (NS4). Also called: SOS1-Related Noonan Syndrome; NOONAN SYNDROME WITH PIGMENTED VILLONODULAR SYNOVITIS. Identifiers: Orphanet 648, MedGen C1853120, MONDO:0012547, OMIM 610733.
Fibromatosis, gingival, 1 (GINGF1). Identifiers: Orphanet 2024, MedGen C4551558, MONDO:0007609, OMIM 135300.

Allele frequency attached by ClinVar (database versions not stated): TOPMed below 0.00001; ExAC 0.00001; gnomAD 0.00001; gnomAD exomes 0.00002.
gnomAD v4.1: 33 of 1,613,378 alleles (0.002%); highest among the groups gnomAD compares: Middle Eastern, 0.13%; 1 homozygote.

Submissions (6):

ClinGen RASopathy Variant Curation Expert Panel
Classification: Likely benign for RASopathy. Last evaluated: 2019-12-05. Review status: reviewed by expert panel. Criteria: ClinGen RASopathy ACMG Specifications v1. Collection method: curation. Allele origin: germline. Inheritance: Autosomal dominant inheritance.
Comment: The c.899G>A (p.Arg300Gln) variant in SOS1 is present in 0.01% (3/30610) South Asian alleles in gnomAD. Computational prediction tools and conservation analysis suggest that this variant does not impact the protein (BP4). This variant has been identified in 5 probands with an alternate molecular basis for disease (BP5: SCV000430444.2; SCV000430443.2; SCV000730061.1; SCV000939867.1). In summary, the clinical significance of the p.Arg300Gln variant is likely benign. RASopathy-specific ACMG/AMP criteria applied (PMID:29493581): BP4, BP5.

Ambry Genetics
Classification: Likely benign for Cardiovascular phenotype. Last evaluated: 2024-10-15. Review status: criteria provided, single submitter. Criteria: Ambry Variant Classification Scheme 2023. Collection method: clinical testing. Allele origin: germline. Not counted in ClinVar's aggregate classification.

Labcorp Genetics (formerly Invitae), Labcorp
Classification: Likely benign for RASopathy. Last evaluated: 2024-09-02. Review status: criteria provided, single submitter. Criteria: Invitae Variant Classification Sherloc (09022015). Collection method: clinical testing. Allele origin: germline. Not counted in ClinVar's aggregate classification.

GeneDx
Classification: Likely benign. Last evaluated: 2018-02-15. Review status: criteria provided, single submitter. Criteria: GeneDx Variant Classification (06012015). Collection method: clinical testing. Allele origin: germline. Affected: yes. Not counted in ClinVar's aggregate classification.
Comment: This variant is considered likely benign or benign based on one or more of the following criteria: it is a conservative change, it occurs at a poorly conserved position in the protein, it is predicted to be benign by multiple in silico algorithms, and/or has population frequency not consistent with disease.

Illumina Laboratory Services, Illumina
Classification: Uncertain significance for Fibromatosis, gingival, 1. Last evaluated: 2018-01-12. Review status: criteria provided, single submitter. Criteria: ICSL Variant Classification Criteria 13 December 2019. Collection method: clinical testing. Allele origin: germline. Not counted in ClinVar's aggregate classification.

Illumina Laboratory Services, Illumina
Classification: Uncertain significance for Noonan syndrome 4. Last evaluated: 2018-01-12. Review status: criteria provided, single submitter. Criteria: ICSL Variant Classification Criteria 13 December 2019. Collection method: clinical testing. Allele origin: germline. Not counted in ClinVar's aggregate classification.

NM_005633.4(SOS1):c.899G>A (p.Arg300Gln)

Gene: SOS1 (SOS Ras/Rac guanine nucleotide exchange factor 1; minus strand). Cytogenetic location: 2p22.1.
Variant type: single nucleotide variant.
Coding change: c.899G>A on transcript NM_005633.4 (MANE Select); coding-DNA position 899, G replaced by A.
Protein change: p.Arg300Gln; replaces arginine 300 with glutamine.
Molecular consequence: missense variant.
Genome position (GRCh38, 1-based): chr2:39,035,466, C>T on the plus strand (G>A on the coding strand, the complement: SOS1 is on the minus strand). VCF-style: chr2-39035466-C-T. GRCh37 (hg19) VCF-style: chr2-39262607-C-T.
Other names: c.899G>A (NM_005633.3); c.878G>A, p.Arg293Gln (NM_001382394.1); c.899G>A, p.Arg300Gln (NM_001382395.1); short protein forms R300Q, R293Q.
Identifiers: ClinVar variation 336021 (VCV000336021.12), dbSNP rs754374236, ClinGen allele CA1624690.